The following is an entry in ClinVar:

NM_001258392.3(CLPB):c.1727C>G (p.Ala576Gly)

Gene: CLPB (ClpB family mitochondrial disaggregase; minus strand). Cytogenetic location: 11q13.4.
Variant type: single nucleotide variant.
Coding change: c.1727C>G on transcript NM_001258392.3 (MANE Select); coding-DNA position 1727, C replaced by G.
Protein change: p.Ala576Gly; replaces alanine 576 with glycine.
Molecular consequence: missense variant.
Genome position (GRCh38, 1-based): chr11:72,294,080, G>C on the plus strand (C>G on the coding strand, the complement: CLPB is on the minus strand). VCF-style: chr11-72294080-G-C. GRCh37 (hg19) VCF-style: chr11-72005124-G-C.
Other names: c.1640C>G, p.Ala547Gly (NM_001258393.3); c.1682C>G, p.Ala561Gly (NM_001258394.3); c.1817C>G, p.Ala606Gly (NM_030813.6); short protein forms A576G, A547G, A561G, A606G.
Identifiers: ClinVar variation 2194711 (VCV002194711.4), dbSNP rs765234416, ClinGen allele CA6171055.
Genomic context (GRCh38, chr11:72,294,080, plus strand): 5'-ACCTCATGTTTGATGGAGCGGGCGCCATAGTGCACATTGTAGCCGTCGACCAGCACATCT[G>C]CCACCTCGCGGTCCCAGAGCAGCGTGATGTTGTGCCTTTGCTTGGCCTGAGATGGGTCAG-3'
Protein context (NP_001245321.1, residues 566-586): NITLLWDREV[Ala576Gly]DVLVDGYNVH

ClinVar aggregate classification (germline): Uncertain significance (1 of 4 stars; one submission).

Conditions:
3-methylglutaconic aciduria, type VIIB (MGCA7B). Also called: CLPB Deficiency; 3-methylglutaconic aciduria with cataracts, neurologic involvement and neutropenia; 3-methylglutaconic aciduria, type VII, with cataracts, neurologic involvement and neutropenia. Identifiers: Orphanet 445038, MedGen C5676893, MONDO:0014561, OMIM 616271.

Allele frequency attached by ClinVar (database versions not stated): ExAC 0.00006.
gnomAD v4.1: 65 of 1,614,048 alleles (0.004%); highest among the groups gnomAD compares: Non-Finnish European, 0.0047%; no homozygotes.

Submission:

Labcorp Genetics (formerly Invitae), Labcorp
Classification: Uncertain significance for 3-methylglutaconic aciduria, type VIIB. Last evaluated: 2024-12-12. Review status: criteria provided, single submitter. Criteria: Invitae Variant Classification Sherloc (09022015). Collection method: clinical testing. Allele origin: germline.
Comment: This sequence change replaces alanine, which is neutral and non-polar, with glycine, which is neutral and non-polar, at codon 606 of the CLPB protein (p.Ala606Gly). This variant is present in population databases (rs765234416, gnomAD 0.008%). This variant has not been reported in the literature in individuals affected with CLPB-related conditions. ClinVar contains an entry for this variant (Variation ID: 2194711). An algorithm developed to predict the effect of missense changes on protein structure and function (PolyPhen-2) suggests that this variant is likely to be disruptive. In summary, the available evidence is currently insufficient to determine the role of this variant in disease. Therefore, it has been classified as a Variant of Uncertain Significance.